The following is an entry in ClinVar:

NM_002691.4(POLD1):c.2942C>T (p.Ala981Val)

Gene: POLD1 (DNA polymerase delta 1, catalytic subunit; plus strand). Cytogenetic location: 19q13.33.
Variant type: single nucleotide variant.
Coding change: c.2942C>T on transcript NM_002691.4 (MANE Select); coding-DNA position 2942, C replaced by T.
Protein change: p.Ala981Val; replaces alanine 981 with valine.
Molecular consequence: missense variant. On other transcripts: non-coding transcript variant (1).
Genome position (GRCh38, 1-based): chr19:50,416,517, C>T. VCF-style: chr19-50416517-C-T. GRCh37 (hg19) VCF-style: chr19-50919774-C-T.
Other names: c.2942C>T, p.Ala981Val (NM_001256849.1, NM_001438212.1, NM_001438213.1); c.3020C>T, p.Ala1007Val (NM_001308632.1); c.2870C>T, p.Ala957Val (NM_001438210.1, NM_001438211.1); short protein forms A1007V, A957V, A981V.
Identifiers: ClinVar variation 4862155 (VCV004862155.1).

ClinVar aggregate classification (germline): Uncertain significance (1 of 4 stars; one submission).

Conditions:
Hereditary cancer-predisposing syndrome. Also called: Neoplastic Syndromes, Hereditary; Tumor predisposition; Hereditary Cancer Syndrome; Hereditary neoplastic syndrome. Identifiers: Orphanet 140162, MedGen C0027672, MeSH D009386, MONDO:0015356.

Submission:

Ambry Genetics
Classification: Uncertain significance for Hereditary cancer-predisposing syndrome. Last evaluated: 2026-05-15. Review status: criteria provided, single submitter. Criteria: Ambry Variant Classification Scheme 2023. Collection method: clinical testing. Allele origin: germline.
Comment: The p.A981V variant (also known as c.2942C>T), located in coding exon 22 of the POLD1 gene, results from a C to T substitution at nucleotide position 2942. The alanine at codon 981 is replaced by valine, an amino acid with similar properties. This amino acid position is not well conserved in available vertebrate species. In addition, this alteration is predicted to be tolerated by in silico analysis. Based on the available evidence, the clinical significance of this variant remains unclear.